The following is an entry in ClinVar:

NM_016341.4(PLCE1):c.5102T>C (p.Phe1701Ser)

Gene: PLCE1 (phospholipase C epsilon 1; plus strand). Cytogenetic location: 10q23.33.
Variant type: single nucleotide variant.
Coding change: c.5102T>C on transcript NM_016341.4 (MANE Select); coding-DNA position 5102, T replaced by C.
Protein change: p.Phe1701Ser; replaces phenylalanine 1701 with serine.
Molecular consequence: missense variant.
Genome position (GRCh38, 1-based): chr10:94,293,574, T>C. VCF-style: chr10-94293574-T-C. GRCh37 (hg19) VCF-style: chr10-96053331-T-C.
Other names: c.4178T>C, p.Phe1393Ser (NM_001165979.2); c.5054T>C, p.Phe1685Ser (NM_001288989.2); short protein forms F1393S, F1685S, F1701S.
Identifiers: ClinVar variation 1388114 (VCV001388114.5), dbSNP rs2133454427, ClinGen allele CA377640691.
Genomic context (GRCh38, chr10:94,293,574, plus strand): 5'-CAACTCTAAATGCATCTGGCTCTAGCAGAGGAAAAGAAAGGAAAAGCAGGAAGTCCATTT[T>C]TGGCAACAATCCGGGCAGAATGAGCCCAGGGGAGACAGCATCATTTAACAAAACATCTGG-3'
Protein context (NP_057425.3, residues 1691-1711): GKERKSRKSI[Phe1701Ser]GNNPGRMSPG

ClinVar aggregate classification (germline): Uncertain significance (1 of 4 stars; one submission).

Submission:

Labcorp Genetics (formerly Invitae), Labcorp
Classification: Uncertain significance. Last evaluated: 2023-11-20. Review status: criteria provided, single submitter. Criteria: Invitae Variant Classification Sherloc (09022015). Collection method: clinical testing. Allele origin: germline.
Comment: This sequence change replaces phenylalanine, which is neutral and non-polar, with serine, which is neutral and polar, at codon 1701 of the PLCE1 protein (p.Phe1701Ser). This variant is not present in population databases (gnomAD no frequency). This variant has not been reported in the literature in individuals affected with PLCE1-related conditions. ClinVar contains an entry for this variant (Variation ID: 1388114). Advanced modeling of protein sequence and biophysical properties (such as structural, functional, and spatial information, amino acid conservation, physicochemical variation, residue mobility, and thermodynamic stability) has been performed at Invitae for this missense variant, however the output from this modeling did not meet the statistical confidence thresholds required to predict the impact of this variant on PLCE1 protein function. In summary, the available evidence is currently insufficient to determine the role of this variant in disease. Therefore, it has been classified as a Variant of Uncertain Significance.